The following is an entry in ClinVar:

ClinVar aggregate classification (germline): Uncertain significance. Review status: criteria provided, multiple submitters, no conflicts (2 of 4 stars). 2 submissions from 2 submitters: Uncertain significance (2). Last evaluated 2024-11-05.

Conditions:
Cardiovascular phenotype. Identifiers: MedGen CN230736.

Allele frequency attached by ClinVar (database versions not stated): gnomAD 0.00001; gnomAD exomes 0.00001; TOPMed 0.00001.
gnomAD v4.1: 11 of 1,550,282 alleles (0.00071%); highest among the groups gnomAD compares: Non-Finnish European, 0.00096%; no homozygotes.

Submissions (2):

Ambry Genetics
Classification: Uncertain significance for Cardiovascular phenotype. Last evaluated: 2024-11-05. Review status: criteria provided, single submitter. Criteria: Ambry Variant Classification Scheme 2023. Collection method: clinical testing. Allele origin: germline.
Comment: The p.T2405I variant (also known as c.7214C>T), located in coding exon 2 of the ZNF469 gene, results from a C to T substitution at nucleotide position 7214. The threonine at codon 2405 is replaced by isoleucine, an amino acid with similar properties. This amino acid position is conserved. In addition, this alteration is predicted to be tolerated by in silico analysis. Based on the available evidence, the clinical significance of this variant remains unclear.

CeGaT Center for Human Genetics Tuebingen
Classification: Uncertain significance. Last evaluated: 2020-12-01. Review status: criteria provided, single submitter. Criteria: CeGaT Center For Human Genetics Tuebingen Variant Classification Criteria Version 2. Collection method: clinical testing. Allele origin: germline. Affected: yes. Observed: 1 variant allele.

NM_001367624.2(ZNF469):c.7298C>T (p.Thr2433Ile)

Gene: ZNF469 (zinc finger protein 469; plus strand). Cytogenetic location: 16q24.2.
Variant type: single nucleotide variant.
Coding change: c.7298C>T on transcript NM_001367624.2 (MANE Select); coding-DNA position 7298, C replaced by T.
Protein change: p.Thr2433Ile; replaces threonine 2433 with isoleucine.
Molecular consequence: missense variant.
Genome position (GRCh38, 1-based): chr16:88,434,768, C>T. VCF-style: chr16-88434768-C-T. GRCh37 (hg19) VCF-style: chr16-88501176-C-T.
Other names: NM_001127464.1:c.7214C>T; short protein forms T2433I.
Identifiers: ClinVar variation 1012877 (VCV001012877.39), dbSNP rs1026835942, ClinGen allele CA286382556.